The following is an entry in ClinVar:

ClinVar aggregate classification (germline): Uncertain significance (1 of 4 stars; one submission).

Allele frequency attached by ClinVar (database versions not stated): gnomAD 0.00001; TOPMed 0.00001.
gnomAD v4.1: 4 of 1,598,288 alleles (0.00025%); highest among the groups gnomAD compares: Non-Finnish European, 0.000085%; no homozygotes.

Submission:

Labcorp Genetics (formerly Invitae), Labcorp
Classification: Uncertain significance. Last evaluated: 2024-02-17. Review status: criteria provided, single submitter. Criteria: Invitae Variant Classification Sherloc (09022015). Collection method: clinical testing. Allele origin: germline.
Comment: This sequence change replaces alanine, which is neutral and non-polar, with serine, which is neutral and polar, at codon 317 of the SZT2 protein (p.Ala317Ser). This variant is not present in population databases (gnomAD no frequency). This variant has not been reported in the literature in individuals affected with SZT2-related conditions. ClinVar contains an entry for this variant (Variation ID: 1046231). Advanced modeling of protein sequence and biophysical properties (such as structural, functional, and spatial information, amino acid conservation, physicochemical variation, residue mobility, and thermodynamic stability) performed at Invitae indicates that this missense variant is not expected to disrupt SZT2 protein function with a negative predictive value of 80%. In summary, the available evidence is currently insufficient to determine the role of this variant in disease. Therefore, it has been classified as a Variant of Uncertain Significance.

NM_001365999.1(SZT2):c.949G>T (p.Ala317Ser)

Gene: SZT2 (SZT2 subunit of KICSTOR complex; plus strand). Cytogenetic location: 1p34.2.
Variant type: single nucleotide variant.
Coding change: c.949G>T on transcript NM_001365999.1 (MANE Select); coding-DNA position 949, G replaced by T.
Protein change: p.Ala317Ser; replaces alanine 317 with serine.
Molecular consequence: missense variant.
Genome position (GRCh38, 1-based): chr1:43,419,803, G>T. VCF-style: chr1-43419803-G-T. GRCh37 (hg19) VCF-style: chr1-43885474-G-T.
Other names: c.949G>T, p.Ala317Ser (NM_015284.4); short protein forms A317S.
Identifiers: ClinVar variation 1046231 (VCV001046231.7), dbSNP rs1373820508, ClinGen allele CA340005977.
Genomic context (GRCh38, chr1:43,419,803, plus strand): 5'-GTTTACTCTTATGACTGCAGTTTTGGCCATGTGCCCAATGTGGAATTAATGAAGTTCATC[G>T]CAATGGCAACATTTGGGTCCTACCTGTCCACTTGTCCTGAGCCGGAGCCAGGCAACCTGG-3'
Protein context (NP_001352928.1, residues 307-327): VPNVELMKFI[Ala317Ser]MATFGSYLST